The following is an entry in ClinVar:

NM_000937.5(POLR2A):c.3616C>T (p.Arg1206Ter)

Gene: POLR2A (RNA polymerase II subunit A; plus strand). Cytogenetic location: 17p13.1.
Variant type: single nucleotide variant.
Coding change: c.3616C>T on transcript NM_000937.5 (MANE Select); coding-DNA position 3616, C replaced by T.
Protein change: p.Arg1206Ter; replaces arginine 1206 with a stop codon.
Molecular consequence: nonsense.
Genome position (GRCh38, 1-based): chr17:7,509,094, C>T. VCF-style: chr17-7509094-C-T. GRCh37 (hg19) VCF-style: chr17-7412413-C-T.
Other names: short protein forms R1206*.
Identifiers: ClinVar variation 1202368 (VCV001202368.28), dbSNP rs1325612483, ClinGen allele CA397811354.

ClinVar aggregate classification (germline): Uncertain significance. Review status: criteria provided, multiple submitters, no conflicts (2 of 4 stars). 2 submissions from 2 submitters: Uncertain significance (2). Last evaluated 2025-12-17.

Allele frequency attached by ClinVar (database versions not stated): gnomAD exomes below 0.00001; gnomAD 0.00001.

Submissions (2):

GeneDx
Classification: Uncertain significance. Last evaluated: 2025-12-17. Review status: criteria provided, single submitter. Criteria: GeneDx Variant Classification Process June 2021. Collection method: clinical testing. Allele origin: germline. Affected: yes.
Comment: Nonsense variant predicted to result in protein truncation or nonsense mediated decay in a gene or region of a gene for which loss of function is not a well-established mechanism of disease; Has not been previously published as pathogenic or benign to our knowledge

CeGaT Center for Human Genetics Tuebingen
Classification: Uncertain significance. Last evaluated: 2023-07-01. Review status: criteria provided, single submitter. Criteria: CeGaT Center For Human Genetics Tuebingen Variant Classification Criteria Version 2. Collection method: clinical testing. Allele origin: germline. Affected: yes. Observed: 1 variant allele.
Comment: POLR2A: PVS1:Moderate, PM2:Supporting